The following is an entry in ClinVar:

ClinVar aggregate classification (germline): Uncertain significance (1 of 4 stars; one submission).

Conditions:
Werner syndrome (WRN). Identifiers: Orphanet 902, MedGen C0043119, MONDO:0010196, OMIM 277700.

Submission:

Labcorp Genetics (formerly Invitae), Labcorp
Classification: Uncertain significance for Werner syndrome. Last evaluated: 2021-11-14. Review status: criteria provided, single submitter. Criteria: Invitae Variant Classification Sherloc (09022015). Collection method: clinical testing. Allele origin: germline.
Comment: In summary, the available evidence is currently insufficient to determine the role of this variant in disease. Therefore, it has been classified as a Variant of Uncertain Significance. Algorithms developed to predict the effect of missense changes on protein structure and function output the following: SIFT: "Not Available"; PolyPhen-2: "Benign"; Align-GVGD: "Not Available". The leucine amino acid residue is found in multiple mammalian species, which suggests that this missense change does not adversely affect protein function. This variant has not been reported in the literature in individuals affected with WRN-related conditions. This variant is not present in population databases (gnomAD no frequency). This sequence change replaces proline, which is neutral and non-polar, with leucine, which is neutral and non-polar, at codon 278 of the WRN protein (p.Pro278Leu).

NM_000553.6(WRN):c.833C>T (p.Pro278Leu)

Gene: WRN (WRN RecQ like helicase; plus strand). Cytogenetic location: 8p12.
Variant type: single nucleotide variant.
Coding change: c.833C>T on transcript NM_000553.6 (MANE Select); coding-DNA position 833, C replaced by T.
Protein change: p.Pro278Leu; replaces proline 278 with leucine.
Molecular consequence: missense variant.
Genome position (GRCh38, 1-based): chr8:31,076,281, C>T. VCF-style: chr8-31076281-C-T. GRCh37 (hg19) VCF-style: chr8-30933797-C-T.
Other names: short protein forms P278L.
Identifiers: ClinVar variation 1489032 (VCV001489032.6), dbSNP rs2130095313, ClinGen allele CA370918786.
Genomic context (GRCh38, chr8:31,076,281, plus strand): 5'-CTGAGGAAGTGATGGATCTGGCTAAGCATCTTCCTCATGCTTTCAGTAAATTGGAAAACC[C>T]ACGGAGGTTAAATATTACCTTTTTTTTTTTTAACTTAAATCAATTCTGTTTATTTTTTTA-3'
Protein context (NP_000544.2, residues 268-288): LPHAFSKLEN[Pro278Leu]RRVSILLKDI